The following is an entry in ClinVar:

ClinVar aggregate classification (germline): Benign/Likely benign. Review status: criteria provided, multiple submitters, no conflicts (2 of 4 stars). 3 submissions from 3 submitters: Benign (1); Likely benign (2). Last evaluated 2024-05-14.

Conditions:
Familial cancer of breast. Also called: BREAST CANCER, FAMILIAL; Hereditary breast cancer; hereditary breast carcinoma. Identifiers: Orphanet 227535, MedGen C0346153, MONDO:0016419, OMIM 114480. Disease mechanism: loss of function.
Ataxia-telangiectasia syndrome (AT). Also called: ATAXIA-TELANGIECTASIA, COMPLEMENTATION GROUP A; ATAXIA-TELANGIECTASIA, FRESNO VARIANT; LOUIS-BAR SYNDROME; Ataxia telangiectasia (A-T); Cerebello-oculocutaneous telangiectasia; Immunodeficiency with ataxia telangiectasia. Identifiers: Orphanet 100, MedGen C0004135, MONDO:0008840, OMIM 208900.
Hereditary cancer-predisposing syndrome. Also called: Tumor predisposition; Neoplastic Syndromes, Hereditary; Hereditary Cancer Syndrome; Hereditary neoplastic syndrome. Identifiers: Orphanet 140162, MedGen C0027672, MeSH D009386, MONDO:0015356.

Submissions (3):

Myriad Genetics, Inc.
Classification: Benign for Familial cancer of breast. Last evaluated: 2024-05-14. Review status: criteria provided, single submitter. Criteria: Myriad Autosomal Dominant, Autosomal Recessive and X-Linked Classification Criteria (2023). Collection method: clinical testing. Allele origin: unknown.
Comment: This variant is considered benign. This variant is a silent/synonymous amino acid change and it is not expected to impact splicing.

Labcorp Genetics (formerly Invitae), Labcorp
Classification: Likely benign for Ataxia-telangiectasia syndrome. Last evaluated: 2024-02-07. Review status: criteria provided, single submitter. Criteria: Invitae Variant Classification Sherloc (09022015). Collection method: clinical testing. Allele origin: germline.

Color Diagnostics, LLC DBA Color Health
Classification: Likely benign for Hereditary cancer-predisposing syndrome. Last evaluated: 2018-07-17. Review status: criteria provided, single submitter. Criteria: ACMG Guidelines, 2015. Collection method: clinical testing. Allele origin: germline.

NM_000051.4(ATM):c.3300G>T (p.Thr1100=)

Gene: ATM (ATM serine/threonine kinase; plus strand). Cytogenetic location: 11q22.3.
Variant type: single nucleotide variant.
Coding change: c.3300G>T on transcript NM_000051.4 (MANE Select); coding-DNA position 3300, G replaced by T.
Protein change: p.Thr1100=; no amino-acid change (threonine 1100 retained).
Molecular consequence: synonymous variant.
Genome position (GRCh38, 1-based): chr11:108,279,506, G>T. VCF-style: chr11-108279506-G-T. GRCh37 (hg19) VCF-style: chr11-108150233-G-T.
Other names: c.3300G>T, p.Thr1100= (NM_001351834.2).
Identifiers: ClinVar variation 628864 (VCV000628864.8), dbSNP rs587780621, ClinGen allele CA476672640.
Genomic context (GRCh38, chr11:108,279,506, plus strand): 5'-AAATTATTTCACTTTTTGTTTGTTTGTTTGCTTGCTTGTTTTAAGATTGTTCCAGGACAC[G>T]AAGGGAGATTCTTCCAGGTTACTGAAAGCACTTCCTTTGAAGCTTCAGCAAACAGCTTTT-3'
Protein context (NP_000042.3, residues 1090-1110): AESINRLFQD[Thr1100=]KGDSSRLLKA